The following is an entry in ClinVar:

ClinVar aggregate classification (germline): Pathogenic (1 of 4 stars; one submission).

Conditions:
Primary ciliary dyskinesia 3. Identifiers: Orphanet 244, MedGen C1837618, MONDO:0012085, OMIM 608644.

Submission:

Myriad Genetics, Inc.
Classification: Pathogenic for Primary ciliary dyskinesia 3. Last evaluated: 2024-05-14. Review status: criteria provided, single submitter. Criteria: Myriad Autosomal Dominant, Autosomal Recessive and X-Linked Classification Criteria (2023). Collection method: clinical testing. Allele origin: unknown.
Comment: NM_001369.2(DNAH5):c.8751_8760del10ins5(N2918Ifs*98) is expected to be pathogenic in the context of primary ciliary dyskinesia, DNAH5-related. This variant is predicted to lead to an abnormal or absent protein product due to the creation of a premature termination codon in DNAH5, a gene where loss-of-function variants are known to be pathogenic. Please note: this variant was assessed in the context of healthy population screening.

NM_001369.3(DNAH5):c.8751_8760delinsCATTG (p.Asn2918fs)

Gene: DNAH5 (dynein axonemal heavy chain 5; minus strand). Cytogenetic location: 5p15.2.
Variant type: Indel.
Coding change: c.8751_8760delinsCATTG on transcript NM_001369.3 (MANE Select); coding-DNA positions 8751 to 8760, TAATGAGAGC replaced by CATTG.
Protein change: p.Asn2918fs; shifts the reading frame from asparagine 2918.
Molecular consequence: frameshift variant.
Genome position (GRCh38, 1-based): chr5:13,786,239-13,786,248, GCTCTCATTA replaced by CAATG on the plus strand (TAATGAGAGC replaced by CATTG on the coding strand, the reverse complement: DNAH5 is on the minus strand). VCF-style: chr5-13786239-GCTCTCATTA-CAATG. GRCh37 (hg19) VCF-style: chr5-13786348-GCTCTCATTA-CAATG.
Other names: short protein forms N2918fs.
Identifiers: ClinVar variation 5010629 (VCV005010629.1).